The following is an entry in ClinVar:

NM_003123.6(SPN):c.915G>C (p.Gly305=)

Gene: SPN (sialophorin; plus strand). Cytogenetic location: 16p11.2.
Variant type: single nucleotide variant.
Coding change: c.915G>C on transcript NM_003123.6 (MANE Select); coding-DNA position 915, G replaced by C.
Protein change: p.Gly305=; no amino-acid change (glycine 305 retained).
Molecular consequence: synonymous variant.
Genome position (GRCh38, 1-based): chr16:29,664,643, G>C. VCF-style: chr16-29664643-G-C. GRCh37 (hg19) VCF-style: chr16-29675964-G-C.
Other names: c.915G>C, p.Gly305= (NM_001030288.4).
Identifiers: ClinVar variation 3044966 (VCV003044966.2), dbSNP rs1555489927, ClinGen allele CA494880384.

ClinVar aggregate classification (germline): Likely benign (0 of 4 stars; one submission).

Conditions:
SPN-related disorder. Also called: SPN-related condition.

Submission:

PreventionGenetics, part of Exact Sciences
Classification: Likely benign for SPN-related condition. Last evaluated: 2019-12-24. Review status: no assertion criteria provided. Collection method: clinical testing. Allele origin: germline.
Comment: This variant is classified as likely benign based on ACMG/AMP sequence variant interpretation guidelines (Richards et al. 2015 PMID: 25741868, with internal and published modifications).